The following is an entry in ClinVar:

ClinVar aggregate classification (germline): Likely pathogenic (1 of 4 stars; one submission).

Submission:

GeneDx
Classification: Likely pathogenic. Last evaluated: 2026-05-28. Review status: criteria provided, single submitter. Criteria: GeneDx Variant Classification Process June 2021. Collection method: clinical testing. Allele origin: germline.
Comment: Not observed at significant frequency in large population cohorts (gnomAD); In-frame deletion of 3 amino acids in a non-repeat region; In silico analysis supports a deleterious effect on protein structure/function; Has not been previously published as pathogenic or benign to our knowledge

NM_023110.3(FGFR1):c.281_289del (p.Ala94_Ser96del)

Gene: FGFR1 (fibroblast growth factor receptor 1; minus strand). Cytogenetic location: 8p11.23.
Variant type: Deletion.
Coding change: c.281_289del on transcript NM_023110.3 (MANE Select); coding-DNA positions 281 to 289, 9 bases deleted (CAGACTCCG; older notation c.281_289delCAGACTCCG).
Protein change: p.Ala94_Ser96del.
Molecular consequence: inframe indel (on NM_023110.2). On other transcripts: intron variant (5).
Genome position (GRCh38, 1-based): chr8:38,429,751-38,429,759, CGGAGTCTG deleted on the plus strand (CAGACTCCG on the coding strand, the reverse complement: FGFR1 is on the minus strand); deleting any 9 consecutive bases within chr8:38,429,751-38,429,762 gives the same sequence; the c. name uses the placement nearest the transcript's 3' end. VCF-style (leftmost placement, unchanged base first): chr8-38429750-CCGGAGTCTG-C. GRCh37 (hg19) VCF-style: chr8-38287268-CCGGAGTCTG-C.
Other names: c.281_289del, p.Ala94_Ser96del (NM_001174063.2, NM_001174065.2, NM_001354367.2 and 3 more transcripts); c.257_265del, p.Ala86_Ser88del (NM_001174064.2); c.380_388del, p.Ala127_Ser129del (NM_001174067.2); c.278_286delCCGCAGACT, p.Ala94_Ser96del (NM_023110.2); c.92-1324_92-1316del (NM_001354368.2, NM_001354370.2, NM_023106.3 and 2 more transcripts).
Identifiers: ClinVar variation 3906753 (VCV003906753.2).
Genomic context (GRCh38, chr8:38,429,750, plus strand): 5'-TTGACGGAGAAGTAGGTGGTGTCACTGCCCGAGGGGCTGCTGGTTACGCAAGCATAGAGG[CCGGAGTCTG>C]CGGGCACGGAGTCCTGCACCTCCACCTCCTCCCCTGTGATGCGGGTGCGGTTGCTTTCCG-3'